The following is an entry in ClinVar:

NM_000059.4(BRCA2):c.569C>T (p.Pro190Leu)

Gene: BRCA2 (BRCA2 DNA repair associated; plus strand). Cytogenetic location: 13q13.1.
Variant type: single nucleotide variant.
Coding change: c.569C>T on transcript NM_000059.4 (MANE Select); coding-DNA position 569, C replaced by T.
Protein change: p.Pro190Leu; replaces proline 190 with leucine.
Molecular consequence: missense variant.
Genome position (GRCh38, 1-based): chr13:32,326,551, C>T. VCF-style: chr13-32326551-C-T. GRCh37 (hg19) VCF-style: chr13-32900688-C-T.
Other names: short protein forms P190L.
Identifiers: ClinVar variation 219761 (VCV000219761.11), dbSNP rs864622238, ClinGen allele CA348544.
Genomic context (GRCh38, chr13:32,326,551, plus strand): 5'-CCTCCCAGGGTCGTCAGACACCAAAACATATTTCTGAAAGTCTAGGAGCTGAGGTGGATC[C>T]TGATATGTCTTGGTCAAGTTCTTTAGCTACACCACCCACCCTTAGTTCTACTGTGCTCAT-3'
Protein context (NP_000050.3, residues 180-200): ISESLGAEVD[Pro190Leu]DMSWSSSLAT

ClinVar aggregate classification (germline): Uncertain significance. Review status: criteria provided, multiple submitters, no conflicts (2 of 4 stars). 2 submissions from 2 submitters: Uncertain significance (2). Last evaluated 2023-08-30.

Conditions:
Hereditary cancer-predisposing syndrome. Also called: Hereditary neoplastic syndrome; Tumor predisposition; Hereditary Cancer Syndrome; Neoplastic Syndromes, Hereditary. Identifiers: Orphanet 140162, MedGen C0027672, MeSH D009386, MONDO:0015356.
Hereditary breast ovarian cancer syndrome. Also called: BRCA1- and BRCA2-Associated Hereditary Breast and Ovarian Cancer; Hereditary breast and ovarian cancer syndrome (HBOC); Hereditary breast and/or ovarian cancer syndrome; Hereditary breast and ovarian cancer syndrome; Hereditary breast and ovarian cancer; Breast and ovarian cancer. Identifiers: Orphanet 145, MedGen C0677776, MeSH D061325, MONDO:0003582. Disease mechanism: loss of function.

Submissions (2):

Ambry Genetics
Classification: Uncertain significance for Hereditary cancer-predisposing syndrome. Last evaluated: 2023-08-30. Review status: criteria provided, single submitter. Criteria: Ambry Variant Classification Scheme 2023. Collection method: clinical testing. Allele origin: germline.
Comment: The p.P190L variant (also known as c.569C>T), located in coding exon 6 of the BRCA2 gene, results from a C to T substitution at nucleotide position 569. The proline at codon 190 is replaced by leucine, an amino acid with similar properties. This alteration was identified in an individual diagnosed with breast and/or ovarian cancer (Konstantopoulou I et al. Clin Genet, 2014 Jan;85:36-42). This amino acid position is not well conserved in available vertebrate species. In addition, this alteration is predicted to be tolerated by in silico analysis. Since supporting evidence is limited at this time, the clinical significance of this alteration remains unclear.

Labcorp Genetics (formerly Invitae), Labcorp
Classification: Uncertain significance for Hereditary breast ovarian cancer syndrome. Last evaluated: 2022-06-28. Review status: criteria provided, single submitter. Criteria: Invitae Variant Classification Sherloc (09022015). Collection method: clinical testing. Allele origin: germline.
Comment: This variant is not present in population databases (gnomAD no frequency). In summary, the available evidence is currently insufficient to determine the role of this variant in disease. Therefore, it has been classified as a Variant of Uncertain Significance. Advanced modeling of protein sequence and biophysical properties (such as structural, functional, and spatial information, amino acid conservation, physicochemical variation, residue mobility, and thermodynamic stability) performed at Invitae indicates that this missense variant is not expected to disrupt BRCA2 protein function. ClinVar contains an entry for this variant (Variation ID: 219761). This missense change has been observed in individual(s) with hereditary breast and/or ovarian cancer (PMID: 24010542). This sequence change replaces proline, which is neutral and non-polar, with leucine, which is neutral and non-polar, at codon 190 of the BRCA2 protein (p.Pro190Leu).

Literature cited by the submitters: PubMed 24010542 (cited by Ambry Genetics and Labcorp Genetics (formerly Invitae), Labcorp).